The following is an entry in ClinVar:

ClinVar aggregate classification (germline): Uncertain significance (1 of 4 stars; one submission).

Conditions:
Li-Ghorbani-Weisz-Hubshman syndrome. Identifiers: MedGen C5436525, MONDO:0033547, OMIM 618974.

Submission:

Juno Genomics, Hangzhou Juno Genomics, Inc
Classification: Uncertain significance for Li-Ghorbani-Weisz-Hubshman syndrome. Review status: criteria provided, single submitter. Criteria: ACMG Guidelines, 2015. Collection method: clinical testing. Allele origin: germline.
Comment: Absent from controls (or at extremely low frequency if recessive) in Genome Aggregation Database.;Multiple lines of computational evidence support a deleterious effect on the gene or gene product.

NM_032188.3(KAT8):c.1058T>C (p.Leu353Pro)

Gene: KAT8 (lysine acetyltransferase 8; plus strand). Cytogenetic location: 16p11.2.
Variant type: single nucleotide variant.
Coding change: c.1058T>C on transcript NM_032188.3 (MANE Select); coding-DNA position 1058, T replaced by C.
Protein change: p.Leu353Pro; replaces leucine 353 with proline.
Molecular consequence: missense variant.
Genome position (GRCh38, 1-based): chr16:31,130,507, T>C. VCF-style: chr16-31130507-T-C. GRCh37 (hg19) VCF-style: chr16-31141828-T-C.
Other names: c.1058T>C, p.Leu353Pro (NM_182958.4); short protein forms L353P.
Identifiers: ClinVar variation 5005576 (VCV005005576.2).